The following is an entry in ClinVar:

ClinVar aggregate classification (germline): Uncertain significance (1 of 4 stars; one submission).

Conditions:
Charcot-Marie-Tooth disease axonal type 2U. Also called: CHARCOT-MARIE-TOOTH NEUROPATHY, TYPE 2U; CHARCOT-MARIE-TOOTH DISEASE, AXONAL, AUTOSOMAL DOMINANT, TYPE 2U. Identifiers: Orphanet 397735, MedGen C4084821, MONDO:0014566, OMIM 616280.
Severe early-onset pulmonary alveolar proteinosis due to MARS deficiency. Also called: PULMONARY ALVEOLAR PROTEINOSIS, REUNION ISLAND; Interstitial lung and liver disease. Identifiers: Orphanet 440427, MedGen C4225400, MONDO:0014206, OMIM 615486.

Allele frequency attached by ClinVar (database versions not stated): gnomAD exomes below 0.00001; ExAC 0.00001.
gnomAD v4.1: 2 of 1,612,674 alleles (0.00012%); highest among the groups gnomAD compares: Admixed American, 0.0017%; no homozygotes.

Submission:

Labcorp Genetics (formerly Invitae), Labcorp
Classification: Uncertain significance for Charcot-Marie-Tooth disease axonal type 2U; Severe early-onset pulmonary alveolar proteinosis due to MARS deficiency. Last evaluated: 2022-06-30. Review status: criteria provided, single submitter. Criteria: Invitae Variant Classification Sherloc (09022015). Collection method: clinical testing. Allele origin: germline.
Comment: This variant is present in population databases (rs759487895, gnomAD 0.003%). This sequence change replaces glutamic acid, which is acidic and polar, with aspartic acid, which is acidic and polar, at codon 212 of the MARS protein (p.Glu212Asp). In summary, the available evidence is currently insufficient to determine the role of this variant in disease. Therefore, it has been classified as a Variant of Uncertain Significance. Algorithms developed to predict the effect of sequence changes on RNA splicing suggest that this variant may disrupt the consensus splice site. Algorithms developed to predict the effect of missense changes on protein structure and function (SIFT, PolyPhen-2, Align-GVGD) all suggest that this variant is likely to be tolerated. This variant has not been reported in the literature in individuals affected with MARS-related conditions.

NM_004990.4(MARS1):c.636G>C (p.Glu212Asp)

Gene: MARS1 (methionyl-tRNA synthetase 1; plus strand). Cytogenetic location: 12q13.3.
Variant type: single nucleotide variant.
Coding change: c.636G>C on transcript NM_004990.4 (MANE Select); coding-DNA position 636, G replaced by C.
Protein change: p.Glu212Asp; replaces glutamic acid 212 with aspartic acid.
Molecular consequence: missense variant.
Genome position (GRCh38, 1-based): chr12:57,490,352, G>C. VCF-style: chr12-57490352-G-C. GRCh37 (hg19) VCF-style: chr12-57884135-G-C.
Other names: short protein forms E212D.
Identifiers: ClinVar variation 2012549 (VCV002012549.4), dbSNP rs759487895, ClinGen allele CA6650228.
Genomic context (GRCh38, chr12:57,490,352, plus strand): 5'-GCAAGGTGTCCTGGCTCTCCGGCCTTACCTCCAAAAGCAGCCCCAGCCCAGCCCCGCTGA[G>C]GGAAGGGCTGTCACCAATGAGCCTGAGGTTTGGAATAGGGCAGAGCCTTGGGGCCTGAGG-3'
Protein context (NP_004981.2, residues 202-222): LQKQPQPSPA[Glu212Asp]GRAVTNEPEE